The following is an entry in ClinVar:

ClinVar aggregate classification (germline): Pathogenic/Likely pathogenic. Review status: criteria provided, multiple submitters, no conflicts (2 of 4 stars). 4 submissions from 4 submitters: Pathogenic (3); Likely pathogenic (1). Last evaluated 2022-12-31.

Conditions:
EYS-related disorder. Also called: EYS-related condition.
Retinitis pigmentosa (RP). Identifiers: Orphanet 791, MedGen C0035334, MeSH D012174, MONDO:0019200, OMIM 268000. Inheritance: Autosomal dominant, autosomal recessive and X linked inheritance.

Submissions (4):

Labcorp Genetics (formerly Invitae), Labcorp
Classification: Pathogenic. Last evaluated: 2022-12-31. Review status: criteria provided, single submitter. Criteria: Invitae Variant Classification Sherloc (09022015). Collection method: clinical testing. Allele origin: germline.
Comment: For these reasons, this variant has been classified as Pathogenic. ClinVar contains an entry for this variant (Variation ID: 813180). This variant has not been reported in the literature in individuals affected with EYS-related conditions. This variant is not present in population databases (gnomAD no frequency). This sequence change creates a premature translational stop signal (p.Thr23Asnfs*3) in the EYS gene. It is expected to result in an absent or disrupted protein product. Loss-of-function variants in EYS are known to be pathogenic (PMID: 18836446, 20333770).

Blueprint Genetics
Classification: Likely pathogenic for EYS-related disorders. Last evaluated: 2022-08-04. Review status: criteria provided, single submitter. Criteria: ACMG Guidelines, 2015. Collection method: clinical testing. Allele origin: germline. Affected: yes. Observed: 2 variant alleles.

Molecular Genetics Laboratory, Institute for Ophthalmic Research
Classification: Pathogenic for Retinitis pigmentosa. Last evaluated: 2020-01-09. Review status: criteria provided, single submitter. Criteria: ACMG Guidelines, 2015. Collection method: research. Allele origin: germline. Affected: yes.

CeGaT Center for Human Genetics Tuebingen
Classification: Pathogenic. Last evaluated: 2018-11-01. Review status: criteria provided, single submitter. Criteria: CeGaT Center For Human Genetics Tuebingen Variant Classification Criteria Version 2. Collection method: clinical testing. Allele origin: germline. Affected: yes. Observed: 1 variant allele.

Literature cited by the submitters: PubMed 18836446 (cited by Labcorp Genetics (formerly Invitae), Labcorp); PubMed 20333770 (cited by Labcorp Genetics (formerly Invitae), Labcorp).

NM_001142800.2(EYS):c.67dup (p.Thr23fs)

Gene: EYS (EGF-like photoreceptor maintenance factor; minus strand). Cytogenetic location: 6q12.
Variant type: Duplication.
Coding change: c.67dup on transcript NM_001142800.2 (MANE Select); coding-DNA position 67, one base duplicated (A; older notation c.67dupA).
Protein change: p.Thr23fs; shifts the reading frame from threonine 23.
Molecular consequence: frameshift variant.
Genome position (GRCh38, 1-based): chr6:65,495,344, T duplicated on the plus strand (A on the coding strand, the reverse complement: EYS is on the minus strand); the first of 5 consecutive T bases (chr6:65,495,344-65,495,348); duplicating any one gives the same sequence. VCF-style (leftmost placement, unchanged base first): chr6-65495343-G-GT. GRCh37 (hg19) VCF-style: chr6-66205236-G-GT.
Other names: c.67dup, p.Thr23fs (NM_001142801.2, NM_001292009.2, NM_198283.2); short protein forms T23fs.
Identifiers: ClinVar variation 813180 (VCV000813180.46), dbSNP rs1766217655, ClinGen allele CA1139659665.